The following is an entry in ClinVar:

ClinVar aggregate classification (germline): Uncertain significance. Review status: criteria provided, multiple submitters, no conflicts (2 of 4 stars). 2 submissions from 2 submitters: Uncertain significance (2). Last evaluated 2024-03-28.

Allele frequency attached by ClinVar (database versions not stated): ExAC 0.00001; gnomAD 0.00001; gnomAD exomes 0.00002; TOPMed 0.00002.
gnomAD v4.1: 33 of 1,606,048 alleles (0.0021%); highest among the groups gnomAD compares: Non-Finnish European, 0.0025%; no homozygotes.

Submissions (2):

Labcorp Genetics (formerly Invitae), Labcorp
Classification: Uncertain significance. Last evaluated: 2024-03-28. Review status: criteria provided, single submitter. Criteria: Invitae Variant Classification Sherloc (09022015). Collection method: clinical testing. Allele origin: germline.
Comment: This sequence change replaces threonine, which is neutral and polar, with isoleucine, which is neutral and non-polar, at codon 313 of the KLF11 protein (p.Thr313Ile). This variant is present in population databases (rs755666407, gnomAD 0.005%). This variant has not been reported in the literature in individuals affected with KLF11-related conditions. ClinVar contains an entry for this variant (Variation ID: 2385335). An algorithm developed to predict the effect of missense changes on protein structure and function (PolyPhen-2) suggests that this variant is likely to be tolerated. In summary, the available evidence is currently insufficient to determine the role of this variant in disease. Therefore, it has been classified as a Variant of Uncertain Significance.

Ambry Genetics
Classification: Uncertain significance. Last evaluated: 2021-08-17. Review status: criteria provided, single submitter. Criteria: Ambry Variant Classification Scheme 2023. Collection method: clinical testing. Allele origin: germline.

NM_003597.5(KLF11):c.938C>T (p.Thr313Ile)

Gene: KLF11 (KLF transcription factor 11; plus strand). Cytogenetic location: 2p25.1.
Variant type: single nucleotide variant.
Coding change: c.938C>T on transcript NM_003597.5 (MANE Select); coding-DNA position 938, C replaced by T.
Protein change: p.Thr313Ile; replaces threonine 313 with isoleucine.
Molecular consequence: missense variant.
Genome position (GRCh38, 1-based): chr2:10,048,275, C>T. VCF-style: chr2-10048275-C-T. GRCh37 (hg19) VCF-style: chr2-10188402-C-T.
Other names: c.887C>T, p.Thr296Ile (NM_001177716.2, NM_001177718.2); short protein forms T296I, T313I.
Identifiers: ClinVar variation 2385335 (VCV002385335.4), dbSNP rs755666407, ClinGen allele CA1525637.